The following is an entry in ClinVar:

NM_002103.5(GYS1):c.568C>G (p.Leu190Val)

Gene: GYS1 (glycogen synthase 1; minus strand). Cytogenetic location: 19q13.33.
Variant type: single nucleotide variant.
Coding change: c.568C>G on transcript NM_002103.5 (MANE Select); coding-DNA position 568, C replaced by G.
Protein change: p.Leu190Val; replaces leucine 190 with valine.
Molecular consequence: missense variant. On other transcripts: non-coding transcript variant (1).
Genome position (GRCh38, 1-based): chr19:48,985,960, G>C on the plus strand (C>G on the coding strand, the complement: GYS1 is on the minus strand). VCF-style: chr19-48985960-G-C. GRCh37 (hg19) VCF-style: chr19-49489217-G-C.
Other names: c.376C>G, p.Leu126Val (NM_001161587.2); short protein forms L126V, L190V.
Identifiers: ClinVar variation 1502264 (VCV001502264.6), dbSNP rs1345491779, ClinGen allele CA406765306.

ClinVar aggregate classification (germline): Uncertain significance (1 of 4 stars; one submission).

Conditions:
Glycogen storage disease due to muscle and heart glycogen synthase deficiency. Also called: GSD 0b; MUSCLE GLYCOGEN SYNTHASE DEFICIENCY. Identifiers: Orphanet 137625, MedGen C1969054, MONDO:0012693, OMIM 611556.

Allele frequency attached by ClinVar (database versions not stated): gnomAD exomes below 0.00001.
gnomAD v4.1: 1 of 1,614,190 alleles (0.000062%); no homozygotes.

Submission:

Labcorp Genetics (formerly Invitae), Labcorp
Classification: Uncertain significance for Glycogen storage disease due to muscle and heart glycogen synthase deficiency. Last evaluated: 2024-02-24. Review status: criteria provided, single submitter. Criteria: Invitae Variant Classification Sherloc (09022015). Collection method: clinical testing. Allele origin: germline.
Comment: This sequence change replaces leucine, which is neutral and non-polar, with valine, which is neutral and non-polar, at codon 190 of the GYS1 protein (p.Leu190Val). This variant is present in population databases (no rsID available, gnomAD no frequency). This variant has not been reported in the literature in individuals affected with GYS1-related conditions. ClinVar contains an entry for this variant (Variation ID: 1502264). Advanced modeling of protein sequence and biophysical properties (such as structural, functional, and spatial information, amino acid conservation, physicochemical variation, residue mobility, and thermodynamic stability) performed at Invitae indicates that this missense variant is not expected to disrupt GYS1 protein function with a negative predictive value of 80%. In summary, the available evidence is currently insufficient to determine the role of this variant in disease. Therefore, it has been classified as a Variant of Uncertain Significance.